The following is an entry in ClinVar:

NM_000350.3(ABCA4):c.6616C>T (p.Leu2206Phe)

Gene: ABCA4 (ATP binding cassette subfamily A member 4; minus strand). Cytogenetic location: 1p22.1.
Variant type: single nucleotide variant.
Coding change: c.6616C>T on transcript NM_000350.3 (MANE Select); coding-DNA position 6616, C replaced by T.
Protein change: p.Leu2206Phe; replaces leucine 2206 with phenylalanine.
Molecular consequence: missense variant.
Genome position (GRCh38, 1-based): chr1:93,997,974, G>A on the plus strand (C>T on the coding strand, the complement: ABCA4 is on the minus strand). VCF-style: chr1-93997974-G-A. GRCh37 (hg19) VCF-style: chr1-94463530-G-A.
Other names: c.6394C>T, p.Leu2132Phe (NM_001425324.1); short protein forms L2206F, L2132F.
Identifiers: ClinVar variation 2961482 (VCV002961482.3), dbSNP rs747764466, ClinGen allele CA956840.
Genomic context (GRCh38, chr1:93,997,974, plus strand): 5'-TGTGGGAGAGGAGGAGCTGGAAGATCCTCGCCAGGGAGGAGGAGGAGACCTGGAACTGGA[G>A]CATGTTGTAGTGCCTCTCCCTCTGCACACTGCCTGGGAAGTTCCCCTGGAAGAACTGCTC-3'
Protein context (NP_000341.2, residues 2196-2216): SVQRERHYNM[Leu2206Phe]QFQVSSSSLA

ClinVar aggregate classification (germline): Uncertain significance (1 of 4 stars; one submission).

Allele frequency attached by ClinVar (database versions not stated): gnomAD exomes below 0.00001; ExAC 0.00002.
gnomAD v4.1: 6 of 1,614,196 alleles (0.00037%); highest among the groups gnomAD compares: Non-Finnish European, 0.00051%; no homozygotes.

Submission:

Labcorp Genetics (formerly Invitae), Labcorp
Classification: Uncertain significance. Last evaluated: 2023-12-31. Review status: criteria provided, single submitter. Criteria: Invitae Variant Classification Sherloc (09022015). Collection method: clinical testing. Allele origin: germline.
Comment: This sequence change replaces leucine, which is neutral and non-polar, with phenylalanine, which is neutral and non-polar, at codon 2206 of the ABCA4 protein (p.Leu2206Phe). This variant is present in population databases (rs747764466, gnomAD 0.002%). This variant has not been reported in the literature in individuals affected with ABCA4-related conditions. Advanced modeling of protein sequence and biophysical properties (such as structural, functional, and spatial information, amino acid conservation, physicochemical variation, residue mobility, and thermodynamic stability) performed at Invitae indicates that this missense variant is expected to disrupt ABCA4 protein function with a positive predictive value of 95%. In summary, the available evidence is currently insufficient to determine the role of this variant in disease. Therefore, it has been classified as a Variant of Uncertain Significance.